The following is an entry in ClinVar:

NM_177438.3(DICER1):c.235A>G (p.Lys79Glu)

Gene: DICER1 (dicer 1, ribonuclease III; minus strand). Cytogenetic location: 14q32.13.
Variant type: single nucleotide variant.
Coding change: c.235A>G on transcript NM_177438.3 (MANE Select); coding-DNA position 235, A replaced by G.
Protein change: p.Lys79Glu; replaces lysine 79 with glutamic acid.
Molecular consequence: missense variant. On other transcripts: 5 prime UTR variant (9), non-coding transcript variant (6).
Genome position (GRCh38, 1-based): chr14:95,132,587, T>C on the plus strand (A>G on the coding strand, the complement: DICER1 is on the minus strand). VCF-style: chr14-95132587-T-C. GRCh37 (hg19) VCF-style: chr14-95598924-T-C.
Other names: c.235A>G, p.Lys79Glu (NM_001195573.1, NM_001271282.3, NM_001291628.2 and 15 more transcripts); c.-40A>G (NM_001395686.1, NM_001395687.1, NM_001395688.1 and 4 more transcripts); c.-224A>G (NM_001395691.1); c.-1334A>G (NM_001395697.1); short protein forms K79E.
Identifiers: ClinVar variation 1790122 (VCV001790122.2), dbSNP rs2543369517, ClinGen allele CA390889881.

ClinVar aggregate classification (germline): Uncertain significance (1 of 4 stars; one submission).

Conditions:
Hereditary cancer-predisposing syndrome. Also called: Hereditary Cancer Syndrome; Hereditary neoplastic syndrome; Tumor predisposition; Neoplastic Syndromes, Hereditary. Identifiers: Orphanet 140162, MedGen C0027672, MeSH D009386, MONDO:0015356.

Allele frequency attached by ClinVar (database versions not stated): gnomAD exomes below 0.00001.
gnomAD v4.1: 1 of 1,613,992 alleles (0.000062%); highest among the groups gnomAD compares: Non-Finnish European, 0.000085%; no homozygotes.

Submission:

Ambry Genetics
Classification: Uncertain significance for Hereditary cancer-predisposing syndrome. Last evaluated: 2021-09-30. Review status: criteria provided, single submitter. Criteria: Ambry Variant Classification Scheme 2023. Collection method: clinical testing. Allele origin: germline.
Comment: The p.K79E variant (also known as c.235A>G), located in coding exon 2 of the DICER1 gene, results from an A to G substitution at nucleotide position 235. The lysine at codon 79 is replaced by glutamic acid, an amino acid with similar properties. This amino acid position is highly conserved in available vertebrate species. In addition, the in silico prediction for this alteration is inconclusive. Since supporting evidence is limited at this time, the clinical significance of this alteration remains unclear.